The following is an entry in ClinVar:

NM_003070.5(SMARCA2):c.2966C>A (p.Thr989Lys)

Gene: SMARCA2 (SWI/SNF related BAF chromatin remodeling complex subunit ATPase 2; plus strand). Cytogenetic location: 9p24.3.
Variant type: single nucleotide variant.
Coding change: c.2966C>A on transcript NM_003070.5 (MANE Select); coding-DNA position 2966, C replaced by A.
Protein change: p.Thr989Lys; replaces threonine 989 with lysine.
Molecular consequence: missense variant.
Genome position (GRCh38, 1-based): chr9:2,096,739, C>A. VCF-style: chr9-2096739-C-A. GRCh37 (hg19) VCF-style: chr9-2096739-C-A.
Other names: c.2966C>A, p.Thr989Lys (NM_001289396.2, NM_139045.4); c.2792C>A, p.Thr931Lys (NM_001289397.2); short protein forms T931K, T989K.
Identifiers: ClinVar variation 3377170 (VCV003377170.1).

ClinVar aggregate classification (germline): Likely pathogenic (1 of 4 stars; one submission).

Conditions:
Nicolaides-Baraitser syndrome (NCBRS). Also called: SMARCA2-Related Nicolaides-Baraitser Syndrome; Intellectual disability-sparse hair-brachydactyly syndrome. Identifiers: Orphanet 3051, MedGen C1303073, MONDO:0011053, OMIM 601358.

Submission:

Victorian Clinical Genetics Services, Murdoch Childrens Research Institute
Classification: Likely pathogenic for Nicolaides-Baraitser syndrome. Last evaluated: 2024-10-11. Review status: criteria provided, single submitter. Criteria: ACMG Guidelines, 2015. Collection method: clinical testing. Allele origin: germline. Inheritance: Autosomal dominant inheritance. Affected: yes.
Comment: Based on the classification scheme VCGS_Germline_v1.3.5, this variant is classified as Likely Pathogenic. Following criteria are met: 0105 - The mechanism of disease for this gene is not clearly established. However, dominant negative is a likely mechanism (PMID: 22366787). (I) 0107 - This gene is associated with autosomal dominant disease. (I) 0200 - Variant is predicted to result in a missense amino acid change from threonine to lysine. (I) 0251 - This variant is heterozygous. (I) 0301 - Variant is absent from gnomAD (v2, v3 and v4). (SP) 0502 - Missense variant with conflicting in silico predictions and uninformative conservation. (I) 0600 - Variant is located in the annotated SNF2-related domain (DECIPHER). (I) 0704 - Another missense variant comparable to the one identified in this case has limited previous evidence for pathogenicity. (SP) 0807 - This variant has no previous evidence of pathogenicity. (I) 0905 - No published segregation evidence has been identified for this variant. (I) 1007 - No published functional evidence has been identified for this variant. (SP) Legend: (SP) - Supporting pathogenic, (I) - Information, (SB) - Supporting benign

Literature cited by the submitters: PubMed 22366787.